The following is an entry in ClinVar:

NM_033026.6(PCLO):c.58G>T (p.Ala20Ser)

Genes: PCLO (piccolo presynaptic cytomatrix protein; minus strand), LOC129998728 (ATAC-STARR-seq lymphoblastoid silent region 18336; plus strand). Cytogenetic location: 7q21.11.
Variant type: single nucleotide variant.
Coding change: c.58G>T on transcript NM_033026.6 (MANE Select); coding-DNA position 58, G replaced by T.
Protein change: p.Ala20Ser; replaces alanine 20 with serine.
Molecular consequence: missense variant.
Genome position (GRCh38, 1-based): chr7:83,162,535, C>A on the plus strand (G>T on the coding strand, the complement: PCLO is on the minus strand). VCF-style: chr7-83162535-C-A. GRCh37 (hg19) VCF-style: chr7-82791851-C-A.
Other names: c.58G>T, p.Ala20Ser (NM_014510.3); short protein forms A20S.
Identifiers: ClinVar variation 1478964 (VCV001478964.5), dbSNP rs115037577, ClinGen allele CA161193851.
Genomic context (GRCh38, chr7:83,162,535, plus strand): 5'-CGGCCGGGATCGCGGTGTGAGAGGGGCTCCCCGCCCCGCTAGCTCCTCCTCCAGCCGCTG[C>A]GGCCGCCGCCAGCCCTTCGGGGAGCCCTTCCCCTTCCAAGCTCGCCTCGTTGCCCATGGC-3'
Protein context (NP_149015.2, residues 10-30): EGLPEGLAAA[Ala20Ser]AAGGGASGAG

ClinVar aggregate classification (germline): Uncertain significance (1 of 4 stars; one submission).

gnomAD v4.1: 56 of 1,553,656 alleles (0.0036%); highest among the groups gnomAD compares: Non-Finnish European, 0.0046%; no homozygotes.

Submission:

Labcorp Genetics (formerly Invitae), Labcorp
Classification: Uncertain significance. Last evaluated: 2021-09-01. Review status: criteria provided, single submitter. Criteria: Invitae Variant Classification Sherloc (09022015). Collection method: clinical testing. Allele origin: germline.
Comment: This sequence change replaces alanine with serine at codon 20 of the PCLO protein (p.Ala20Ser). The alanine residue is weakly conserved and there is a moderate physicochemical difference between alanine and serine. The frequency data for this variant in the population databases is considered unreliable, as metrics indicate insufficient coverage at this position in the ExAC database. This variant has not been reported in the literature in individuals affected with PCLO-related conditions. Algorithms developed to predict the effect of missense changes on protein structure and function are either unavailable or do not agree on the potential impact of this missense change (SIFT: "Deleterious"; PolyPhen-2: "Not Available"; Align-GVGD: "Class C0"). In summary, the available evidence is currently insufficient to determine the role of this variant in disease. Therefore, it has been classified as a Variant of Uncertain Significance.